The following is an entry in ClinVar:

ClinVar aggregate classification (germline): Uncertain significance (1 of 4 stars; one submission).

Conditions:
Congenital contractural arachnodactyly (CCA). Also called: Arthrogryposis, distal, type 9; BEALS SYNDROME; Beals-Hecht syndrome. Identifiers: Orphanet 115, MedGen C0220668, MONDO:0007363, OMIM 121050.

Submission:

Labcorp Genetics (formerly Invitae), Labcorp
Classification: Uncertain significance for Congenital contractural arachnodactyly. Last evaluated: 2025-11-06. Review status: criteria provided, single submitter. Criteria: Invitae Variant Classification Sherloc (09022015). Collection method: clinical testing. Allele origin: germline.
Comment: This sequence change replaces proline, which is neutral and non-polar, with serine, which is neutral and polar, at codon 113 of the FBN2 protein (p.Pro113Ser). This variant is not present in population databases (gnomAD no frequency). This variant has not been reported in the literature in individuals affected with FBN2-related conditions. ClinVar contains an entry for this variant (Variation ID: 3606219). Experimental studies and prediction algorithms are not available or were not evaluated, and the functional significance of this variant is currently unknown. In summary, the available evidence is currently insufficient to determine the role of this variant in disease. Therefore, it has been classified as a Variant of Uncertain Significance.

NM_001999.4(FBN2):c.337C>T (p.Pro113Ser)

Gene: FBN2 (fibrillin 2; minus strand). Cytogenetic location: 5q23.3.
Variant type: single nucleotide variant.
Coding change: c.337C>T on transcript NM_001999.4 (MANE Select); coding-DNA position 337, C replaced by T.
Protein change: p.Pro113Ser; replaces proline 113 with serine.
Molecular consequence: missense variant.
Genome position (GRCh38, 1-based): chr5:128,536,402, G>A on the plus strand (C>T on the coding strand, the complement: FBN2 is on the minus strand). VCF-style: chr5-128536402-G-A. GRCh37 (hg19) VCF-style: chr5-127872095-G-A.
Other names: short protein forms P113S.
Identifiers: ClinVar variation 3606219 (VCV003606219.2).